The following is an entry in ClinVar:

NM_001098671.2(RASGRP2):c.1159C>T (p.Arg387Cys)

Gene: RASGRP2 (RAS guanyl releasing protein 2; minus strand). Cytogenetic location: 11q13.1.
Variant type: single nucleotide variant.
Coding change: c.1159C>T on transcript NM_001098671.2 (MANE Select); coding-DNA position 1159, C replaced by T.
Protein change: p.Arg387Cys; replaces arginine 387 with cysteine.
Molecular consequence: missense variant.
Genome position (GRCh38, 1-based): chr11:64,735,917, G>A on the plus strand (C>T on the coding strand, the complement: RASGRP2 is on the minus strand). VCF-style: chr11-64735917-G-A. GRCh37 (hg19) VCF-style: chr11-64503389-G-A.
Other names: c.1159C>T, p.Arg387Cys (NM_001098670.2, NM_153819.2); c.724C>T, p.Arg242Cys (NM_001318398.2); short protein forms R242C, R387C.
Identifiers: ClinVar variation 988845 (VCV000988845.2), dbSNP rs746056618, ClinGen allele CA6079004.

ClinVar aggregate classification (germline): Uncertain significance. Review status: criteria provided, single submitter (1 of 4 stars). 2 submissions from 2 submitters: Uncertain significance (1). 1 of the submissions does not count toward it. Last evaluated 2026-06-17.

Conditions:
Abnormal bleeding. Also called: Bleeding diathesis. Identifiers: MedGen C1458140, HP:0001892.
Thrombocytopenia. Identifiers: MedGen C0040034, MeSH D013921, MONDO:0002049, HP:0001873.

Allele frequency attached by ClinVar (database versions not stated): TOPMed 0.00002.

Submissions (2):

Women's Health and Genetics/Laboratory Corporation of America, LabCorp
Classification: Uncertain significance. Last evaluated: 2026-06-17. Review status: criteria provided, single submitter. Criteria: LabCorp Variant Classification Summary - May 2015. Collection method: clinical testing. Allele origin: germline.
Comment: Variant summary: RASGRP2 c.1159C>T (p.Arg387Cys) results in a non-conservative amino acid change in the encoded protein sequence. Algorithms developed to predict the effect of missense changes on protein structure and function all suggest that this variant is likely to be disruptive. The variant allele was found at a frequency of 1.6e-05 in 250422 control chromosomes. The available data on variant occurrences in the general population are insufficient to allow any conclusion about variant significance. c.1159C>T has been observed in individual(s) affected with RASGRP2-related conditions (Almazni_2020). These report(s) do not provide unequivocal conclusions about association of the variant with disease. To our knowledge, no experimental evidence demonstrating an impact on protein function has been reported. The following publication have been ascertained in the context of this evaluation (PMID: 32935436). ClinVar contains an entry for this variant (Variation ID: 988845). Based on the evidence outlined above, the variant was classified as uncertain significance.

Birmingham Platelet Group; University of Birmingham
Classification: Uncertain significance for Thrombocytopenia; Abnormal bleeding. Last evaluated: 2020-05-01. Review status: no assertion criteria provided. Collection method: research. Allele origin: germline. Affected: yes. Not counted in ClinVar's aggregate classification.

Literature cited by the submitters: PubMed 32935436 (cited by Women's Health and Genetics/Laboratory Corporation of America, LabCorp).